The following is an entry in ClinVar:

ClinVar aggregate classification (germline): Likely pathogenic. Review status: criteria provided, multiple submitters, no conflicts (2 of 4 stars). 2 submissions from 2 submitters: Likely pathogenic (2). Last evaluated 2026-10-01.

Conditions:
Autosomal recessive limb-girdle muscular dystrophy type 2J (LGMDR10). Also called: Limb-girdle muscular dystrophy, type 2J; MUSCULAR DYSTROPHY, LIMB-GIRDLE, AUTOSOMAL RECESSIVE 10. Identifiers: Orphanet 140922, MedGen C1837342, MONDO:0012127, OMIM 608807.
Dilated cardiomyopathy 1G (CMD1G). Identifiers: Orphanet 154, MedGen C1858763, MONDO:0011400, OMIM 604145.

gnomAD v4.1: 19 of 1,608,108 alleles (0.0012%); highest among the groups gnomAD compares: Non-Finnish European, 0.0013%; no homozygotes.

Submissions (2):

GeneDx
Classification: Likely pathogenic. Last evaluated: 2026-10-01. Review status: criteria provided, single submitter. Criteria: GeneDx Variant Classification Process June 2021. Collection method: clinical testing. Allele origin: germline.
Comment: Canonical splice site variant predicted to result in an in-frame loss of the adjacent exon in a gene for which loss of function is a known mechanism of disease; Located in a region of TTN in which the majority of pathogenic variants have been reported in association with autosomal recessive skeletal myopathies (PMID: 28040389, 29575618, 31660661, 32778822); Not observed at significant frequency in large population cohorts (gnomAD); Has not been previously published as pathogenic or benign to our knowledge; This variant is associated with the following publications: (PMID: 28040389, 29575618, 31660661, 32778822)

Labcorp Genetics (formerly Invitae), Labcorp
Classification: Likely pathogenic for Dilated cardiomyopathy 1G; Autosomal recessive limb-girdle muscular dystrophy type 2J. Last evaluated: 2024-02-05. Review status: criteria provided, single submitter. Criteria: Invitae Variant Classification Sherloc (09022015). Collection method: clinical testing. Allele origin: germline.
Comment: This sequence change affects a donor splice site in intron 168 of the TTN gene. It is expected to disrupt RNA splicing and likely results in a truncated or disrupted TTN protein. This variant is present in population databases (no rsID available, gnomAD 0.007%). This variant has not been reported in the literature in individuals affected with TTN-related conditions. Algorithms developed to predict the effect of sequence changes on RNA splicing suggest that this variant may disrupt the consensus splice site. This variant is located in the I band of TTN (PMID: 25589632). Truncating variants in this region have been reported in individuals affected with autosomal recessive centronuclear myopathy (PMID: 23975875, Invitae internal data). Truncating variants in this region have also been identified in individuals affected with autosomal dominant dilated cardiomyopathy and/or cardio-related conditions (PMID: 27869827, 32964742, Invitae internal data). In summary, the currently available evidence indicates that the variant is pathogenic, but additional data are needed to prove that conclusively. Therefore, this variant has been classified as Likely Pathogenic.

Literature cited by the submitters: PubMed 25589632 (cited by Labcorp Genetics (formerly Invitae), Labcorp); PubMed 23975875 (cited by Labcorp Genetics (formerly Invitae), Labcorp); PubMed 27869827 (cited by Labcorp Genetics (formerly Invitae), Labcorp); PubMed 32964742 (cited by Labcorp Genetics (formerly Invitae), Labcorp).

NM_001267550.2(TTN):c.36280+2T>A

Gene: TTN (titin; minus strand). Cytogenetic location: 2q31.2.
Variant type: single nucleotide variant.
Coding change: c.36280+2T>A on transcript NM_001267550.2 (MANE Select); the canonical splice donor site of the intron after coding-DNA position 36280, T replaced by A.
Molecular consequence: splice donor variant. On other transcripts: intron variant (5).
Genome position (GRCh38, 1-based): chr2:178,664,458, A>T on the plus strand (T>A on the coding strand, the complement: TTN is on the minus strand). VCF-style: chr2-178664458-A-T. GRCh37 (hg19) VCF-style: chr2-179529185-A-T.
Other names: c.13283-22141T>A (NM_003319.4); c.13859-22141T>A (NM_133437.4); c.13658-22141T>A (NM_133432.3); c.31484-1403T>A (NM_133378.4); c.34265-1403T>A (NM_001256850.1).
Identifiers: ClinVar variation 3749232 (VCV003749232.4).